The following is an entry in ClinVar:

NM_001290043.2(TAP2):c.1244A>C (p.Tyr415Ser)

Gene: TAP2 (transporter 2, ATP binding cassette subfamily B member; minus strand). Cytogenetic location: 6p21.32.
Variant type: single nucleotide variant.
Coding change: c.1244A>C on transcript NM_001290043.2 (MANE Select); coding-DNA position 1244, A replaced by C.
Protein change: p.Tyr415Ser; replaces tyrosine 415 with serine.
Molecular consequence: missense variant.
Genome position (GRCh38, 1-based): chr6:32,832,361, T>G on the plus strand (A>C on the coding strand, the complement: TAP2 is on the minus strand). VCF-style: chr6-32832361-T-G. GRCh37 (hg19) VCF-style: chr6-32800138-T-G.
Other names: c.1244A>C, p.Tyr415Ser (NM_000544.3, NM_018833.3); short protein forms Y415S.
Identifiers: ClinVar variation 2715683 (VCV002715683.3), dbSNP rs1393714631, ClinGen allele CA363582628.
Genomic context (GRCh38, chr6:32,832,361, plus strand): 5'-AAAAAGGAGAGCAGGCTTGGCTTCTCGCTCACCTGCACATAGCTCCCCACGCTCTCCTGG[T>G]AGATCATAAAGGAAAGCAGGCTGCCCTGGGTGAGCTCCCCATCCTGCATCTGCTGCAGCC-3'
Protein context (NP_001276972.1, residues 405-425): TQGSLLSFMI[Tyr415Ser]QESVGSYVQT

ClinVar aggregate classification (germline): Uncertain significance (1 of 4 stars; one submission).

Conditions:
MHC class I deficiency. Identifiers: Orphanet 34592, MedGen C6024714, MONDO:0011476.

Allele frequency attached by ClinVar (database versions not stated): gnomAD 0.00001.
gnomAD v4.1: 1 of 1,612,894 alleles (0.000062%); highest among the groups gnomAD compares: East Asian, 0.0022%; no homozygotes.

Submission:

Labcorp Genetics (formerly Invitae), Labcorp
Classification: Uncertain significance for MHC class I deficiency 1. Last evaluated: 2022-11-20. Review status: criteria provided, single submitter. Criteria: Invitae Variant Classification Sherloc (09022015). Collection method: clinical testing. Allele origin: germline.
Comment: Algorithms developed to predict the effect of missense changes on protein structure and function are either unavailable or do not agree on the potential impact of this missense change (SIFT: "Deleterious"; PolyPhen-2: "Not Available"; Align-GVGD: "Class C0"). This sequence change replaces tyrosine, which is neutral and polar, with serine, which is neutral and polar, at codon 415 of the TAP2 protein (p.Tyr415Ser). This variant is present in population databases (no rsID available, gnomAD 0.006%). This variant has not been reported in the literature in individuals affected with TAP2-related conditions. In summary, the available evidence is currently insufficient to determine the role of this variant in disease. Therefore, it has been classified as a Variant of Uncertain Significance.